The following is an entry in ClinVar:

ClinVar aggregate classification (germline): Likely benign. Review status: criteria provided, multiple submitters, no conflicts (2 of 4 stars). 5 submissions from 5 submitters: Likely benign (4). 1 of the submissions does not count toward it. Last evaluated 2026-02-02.

Conditions:
Familial focal epilepsy with variable foci (FPEVF). Identifiers: Orphanet 98820, MedGen C1858477, MONDO:0020310.
Inborn genetic diseases. Identifiers: MedGen C0950123, MeSH D030342.
DEPDC5-related disorder. Also called: DEPDC5-related condition; DEPDC5-related related disorder.

Allele frequency attached by ClinVar (database versions not stated): gnomAD exomes 0.00008 and 0.00023; ExAC 0.00011; ESP Exome Variant Server 0.00016; 1000 Genomes Project 0.00020; 1000 Genomes Project 30x 0.00031; gnomAD 0.00036; TOPMed 0.00047.
gnomAD v4.1: 172 of 1,614,098 alleles (0.011%); highest among the groups gnomAD compares: Admixed American, 0.19%; 2 homozygotes.

Submissions (5):

Labcorp Genetics (formerly Invitae), Labcorp
Classification: Likely benign for Familial focal epilepsy with variable foci. Last evaluated: 2026-02-02. Review status: criteria provided, single submitter. Criteria: Invitae Variant Classification Sherloc (09022015). Collection method: clinical testing. Allele origin: germline.

ARUP Laboratories, Molecular Genetics and Genomics, ARUP Laboratories
Classification: Likely benign. Last evaluated: 2024-07-16. Review status: criteria provided, single submitter. Criteria: ARUP Molecular Germline Variant Investigation Process 2024. Collection method: clinical testing. Allele origin: germline.

GeneDx
Classification: Likely benign. Last evaluated: 2020-02-18. Review status: criteria provided, single submitter. Criteria: GeneDx Variant Classification Process June 2021. Collection method: clinical testing. Allele origin: germline. Affected: yes.

Ambry Genetics
Classification: Likely benign for Inborn genetic diseases. Last evaluated: 2016-07-14. Review status: criteria provided, single submitter. Criteria: Ambry Variant Classification Scheme 2023. Collection method: clinical testing. Allele origin: germline.

PreventionGenetics, part of Exact Sciences
Classification: Likely benign for DEPDC5-related condition. Last evaluated: 2019-02-25. Review status: no assertion criteria provided. Collection method: clinical testing. Allele origin: germline. Not counted in ClinVar's aggregate classification.
Comment: This variant is classified as likely benign based on ACMG/AMP sequence variant interpretation guidelines (Richards et al. 2015 PMID: 25741868, with internal and published modifications).

NM_001242896.3(DEPDC5):c.4683C>T (p.Ser1561=)

Gene: DEPDC5 (DEP domain containing 5, GATOR1 subcomplex subunit; plus strand). Cytogenetic location: 22q12.3.
Variant type: single nucleotide variant.
Coding change: c.4683C>T on transcript NM_001242896.3 (MANE Select); coding-DNA position 4683, C replaced by T.
Protein change: p.Ser1561=; no amino-acid change (serine 1561 retained).
Molecular consequence: synonymous variant. On other transcripts: non-coding transcript variant (5).
Genome position (GRCh38, 1-based): chr22:31,906,368, C>T. VCF-style: chr22-31906368-C-T. GRCh37 (hg19) VCF-style: chr22-32302354-C-T.
Other names: c.4656C>T, p.Ser1552= (NM_001136029.4); c.4383C>T, p.Ser1461= (NM_001242897.2); c.4617C>T, p.Ser1539= (NM_001363852.2, NM_001364320.2); c.4449C>T, p.Ser1483= (NM_001363854.2, NM_001364319.2); c.4683C>T, p.Ser1561= (NM_001364318.2); c.4599C>T, p.Ser1533= (NM_001369901.1, NM_001369902.1); c.4590C>T, p.Ser1530= (NM_001369903.1, NM_014662.6).
Identifiers: ClinVar variation 466494 (VCV000466494.22), dbSNP rs370189053, ClinGen allele CA10197312.